The following is an entry in ClinVar:

ClinVar aggregate classification (germline): Uncertain significance (1 of 4 stars; one submission).

Allele frequency attached by ClinVar (database versions not stated): gnomAD exomes below 0.00001; TOPMed below 0.00001; ExAC 0.00001.
gnomAD v4.1: 4 of 1,614,268 alleles (0.00025%); highest among the groups gnomAD compares: African/African-American, 0.0013%; no homozygotes.

Submission:

Labcorp Genetics (formerly Invitae), Labcorp
Classification: Uncertain significance. Last evaluated: 2024-08-12. Review status: criteria provided, single submitter. Criteria: Invitae Variant Classification Sherloc (09022015). Collection method: clinical testing. Allele origin: germline.
Comment: This sequence change replaces histidine, which is basic and polar, with arginine, which is basic and polar, at codon 436 of the NFE2L2 protein (p.His436Arg). This variant is present in population databases (rs756740497, gnomAD 0.003%). This variant has not been reported in the literature in individuals affected with NFE2L2-related conditions. Advanced modeling of protein sequence and biophysical properties (such as structural, functional, and spatial information, amino acid conservation, physicochemical variation, residue mobility, and thermodynamic stability) performed at Invitae indicates that this missense variant is not expected to disrupt NFE2L2 protein function with a negative predictive value of 80%. In summary, the available evidence is currently insufficient to determine the role of this variant in disease. Therefore, it has been classified as a Variant of Uncertain Significance.

NM_006164.5(NFE2L2):c.1307A>G (p.His436Arg)

Gene: NFE2L2 (NFE2 like bZIP transcription factor 2; minus strand). Cytogenetic location: 2q31.2.
Variant type: single nucleotide variant.
Coding change: c.1307A>G on transcript NM_006164.5 (MANE Select); coding-DNA position 1307, A replaced by G.
Protein change: p.His436Arg; replaces histidine 436 with arginine.
Molecular consequence: missense variant.
Genome position (GRCh38, 1-based): chr2:177,231,296, T>C on the plus strand (A>G on the coding strand, the complement: NFE2L2 is on the minus strand). VCF-style: chr2-177231296-T-C. GRCh37 (hg19) VCF-style: chr2-178096024-T-C.
Other names: c.1259A>G, p.His420Arg (NM_001145412.3, NM_001313900.1, NM_001313901.1); c.1238A>G, p.His413Arg (NM_001145413.3); c.1217A>G, p.His406Arg (NM_001313902.2); c.1088A>G, p.His363Arg (NM_001313903.2); c.1007A>G, p.His336Arg (NM_001313904.1); short protein forms H363R, H406R, H436R, H413R, H420R, H336R.
Identifiers: ClinVar variation 2715990 (VCV002715990.3), dbSNP rs756740497, ClinGen allele CA1979705.